The following is an entry in ClinVar:

NM_025103.4(IFT74):c.416T>C (p.Leu139Ser)

Gene: IFT74 (intraflagellar transport 74; plus strand). Cytogenetic location: 9p21.2.
Variant type: single nucleotide variant.
Coding change: c.416T>C on transcript NM_025103.4 (MANE Select); coding-DNA position 416, T replaced by C.
Protein change: p.Leu139Ser; replaces leucine 139 with serine.
Molecular consequence: missense variant.
Genome position (GRCh38, 1-based): chr9:26,984,510, T>C. VCF-style: chr9-26984510-T-C. GRCh37 (hg19) VCF-style: chr9-26984508-T-C.
Other names: c.416T>C (NM_025103.2, NM_001099222.1); c.416T>C, p.Leu139Ser (NM_001099222.3, NM_001099223.3, NM_001099224.3 and 1 more transcripts); short protein forms L139S.
Identifiers: ClinVar variation 1943194 (VCV001943194.6), dbSNP rs1018874561, ClinGen allele CA191313721.

ClinVar aggregate classification (germline): Uncertain significance. Review status: criteria provided, multiple submitters, no conflicts (2 of 4 stars). 3 submissions from 3 submitters: Uncertain significance (2). 1 of the submissions does not count toward it. Last evaluated 2025-06-24.

Conditions:
Inborn genetic diseases. Identifiers: MedGen C0950123, MeSH D030342.
IFT74-related disorder. Also called: IFT74-related condition; IFT74-Related Disorders.

Allele frequency attached by ClinVar (database versions not stated): gnomAD 0.00001; gnomAD exomes 0.00001; TOPMed 0.00002.
gnomAD v4.1: 5 of 1,612,254 alleles (0.00031%); highest among the groups gnomAD compares: Admixed American, 0.0083%; no homozygotes.

Submissions (3):

Ambry Genetics
Classification: Uncertain significance for Inborn genetic diseases. Last evaluated: 2025-06-24. Review status: criteria provided, single submitter. Criteria: Ambry Variant Classification Scheme 2023. Collection method: clinical testing. Allele origin: germline.

Labcorp Genetics (formerly Invitae), Labcorp
Classification: Uncertain significance. Last evaluated: 2025-03-31. Review status: criteria provided, single submitter. Criteria: Invitae Variant Classification Sherloc (09022015). Collection method: clinical testing. Allele origin: germline.
Comment: This sequence change replaces leucine, which is neutral and non-polar, with serine, which is neutral and polar, at codon 139 of the IFT74 protein (p.Leu139Ser). This variant is present in population databases (no rsID available, gnomAD 0.009%). This variant has not been reported in the literature in individuals affected with IFT74-related conditions. ClinVar contains an entry for this variant (Variation ID: 1943194). An algorithm developed to predict the effect of missense changes on protein structure and function (PolyPhen-2) suggests that this variant is likely to be disruptive. In summary, the available evidence is currently insufficient to determine the role of this variant in disease. Therefore, it has been classified as a Variant of Uncertain Significance.

PreventionGenetics, part of Exact Sciences
Classification: Uncertain significance for IFT74-related condition. Last evaluated: 2024-05-13. Review status: no assertion criteria provided. Collection method: clinical testing. Allele origin: germline. Not counted in ClinVar's aggregate classification.
Comment: The IFT74 c.416T>C variant is predicted to result in the amino acid substitution p.Leu139Ser. To our knowledge, this variant has not been reported in the literature. This variant is reported in 0.0085% of alleles in individuals of Latino descent in gnomAD. At this time, the clinical significance of this variant is uncertain due to the absence of conclusive functional and genetic evidence.